The following is an entry in ClinVar:

NM_020778.5(ALPK3):c.4235G>A (p.Arg1412Gln)

Gene: ALPK3 (alpha kinase 3; plus strand). Cytogenetic location: 15q25.3.
Variant type: single nucleotide variant.
Coding change: c.4235G>A on transcript NM_020778.5 (MANE Select); coding-DNA position 4235, G replaced by A.
Protein change: p.Arg1412Gln; replaces arginine 1412 with glutamine.
Molecular consequence: missense variant.
Genome position (GRCh38, 1-based): chr15:84,862,740, G>A. VCF-style: chr15-84862740-G-A. GRCh37 (hg19) VCF-style: chr15-85405971-G-A.
Other names: c.4841G>A (NM_020778.4); short protein forms R1412Q.
Identifiers: ClinVar variation 2718975 (VCV002718975.4), dbSNP rs769568552, ClinGen allele CA7709904.

ClinVar aggregate classification (germline): Conflicting classifications of pathogenicity. Review status: criteria provided, conflicting classifications (1 of 4 stars). 2 submissions from 2 submitters: Uncertain significance (1); Likely benign (1). Last evaluated 2025-10-08.

Conditions:
Cardiovascular phenotype. Identifiers: MedGen CN230736.

Allele frequency attached by ClinVar (database versions not stated): ExAC 0.00002; gnomAD 0.00001.
gnomAD v4.1: 32 of 1,614,018 alleles (0.002%); highest among the groups gnomAD compares: Admixed American, 0.0083%; no homozygotes.

Submissions (2):

Labcorp Genetics (formerly Invitae), Labcorp
Classification: Uncertain significance. Last evaluated: 2025-10-08. Review status: criteria provided, single submitter. Criteria: Invitae Variant Classification Sherloc (09022015). Collection method: clinical testing. Allele origin: germline.
Comment: This sequence change replaces arginine, which is basic and polar, with glutamine, which is neutral and polar, at codon 1614 of the ALPK3 protein (p.Arg1614Gln). This variant is present in population databases (rs769568552, gnomAD 0.01%). This variant has not been reported in the literature in individuals affected with ALPK3-related conditions. ClinVar contains an entry for this variant (Variation ID: 2718975). Invitae Evidence Modeling of protein sequence and biophysical properties (such as structural, functional, and spatial information, amino acid conservation, physicochemical variation, residue mobility, and thermodynamic stability) indicates that this missense variant is not expected to disrupt ALPK3 protein function with a negative predictive value of 80%. In summary, the available evidence is currently insufficient to determine the role of this variant in disease. Therefore, it has been classified as a Variant of Uncertain Significance.

Ambry Genetics
Classification: Likely benign for Cardiovascular phenotype. Last evaluated: 2024-11-21. Review status: criteria provided, single submitter. Criteria: Ambry Variant Classification Scheme 2023. Collection method: clinical testing. Allele origin: germline.